The following is an entry in ClinVar:

NM_017775.4(TTC19):c.432C>G (p.Asn144Lys)

Gene: TTC19 (tetratricopeptide repeat domain 19; plus strand). Cytogenetic location: 17p12.
Variant type: single nucleotide variant.
Coding change: c.432C>G on transcript NM_017775.4 (MANE Select); coding-DNA position 432, C replaced by G.
Protein change: p.Asn144Lys; replaces asparagine 144 with lysine.
Molecular consequence: missense variant.
Genome position (GRCh38, 1-based): chr17:16,002,801, C>G. VCF-style: chr17-16002801-C-G. GRCh37 (hg19) VCF-style: chr17-15906115-C-G.
Other names: c.111C>G, p.Asn37Lys (NM_001271420.2); short protein forms N144K, N37K.
Identifiers: ClinVar variation 2077297 (VCV002077297.1), dbSNP rs2549926526, ClinGen allele CA398385743.

ClinVar aggregate classification (germline): Uncertain significance (1 of 4 stars; one submission).

Allele frequency attached by ClinVar (database versions not stated): gnomAD exomes below 0.00001.
gnomAD v4.1: 1 of 1,613,984 alleles (0.000062%); highest among the groups gnomAD compares: Admixed American, 0.0017%; no homozygotes.

Submission:

Labcorp Genetics (formerly Invitae), Labcorp
Classification: Uncertain significance. Last evaluated: 2022-07-25. Review status: criteria provided, single submitter. Criteria: Invitae Variant Classification Sherloc (09022015). Collection method: clinical testing. Allele origin: germline.
Comment: This sequence change replaces asparagine, which is neutral and polar, with lysine, which is basic and polar, at codon 144 of the TTC19 protein (p.Asn144Lys). This variant is not present in population databases (gnomAD no frequency). This variant has not been reported in the literature in individuals affected with TTC19-related conditions. Algorithms developed to predict the effect of missense changes on protein structure and function are either unavailable or do not agree on the potential impact of this missense change (SIFT: "Deleterious"; PolyPhen-2: "Probably Damaging"; Align-GVGD: "Class C15"). In summary, the available evidence is currently insufficient to determine the role of this variant in disease. Therefore, it has been classified as a Variant of Uncertain Significance.